The following is an entry in ClinVar:

ClinVar aggregate classification (germline): Benign. Review status: criteria provided, multiple submitters, no conflicts (2 of 4 stars). 2 submissions from 2 submitters: Benign (2). Last evaluated 2018-06-14.

Allele frequency attached by ClinVar (database versions not stated): 1000 Genomes Project 0.01917; TOPMed 0.02079; ESP Exome Variant Server 0.02125; gnomAD 0.01933; 1000 Genomes Project 30x 0.01983.
gnomAD v4.1: 5,559 of 1,604,976 alleles (0.35%); highest among the groups gnomAD compares: African/African-American, 6.5%; 181 homozygotes.

Submissions (2):

GeneDx
Classification: Benign. Last evaluated: 2018-06-14. Review status: criteria provided, single submitter. Criteria: GeneDx Variant Classification (06012015). Collection method: clinical testing. Allele origin: germline. Affected: yes.
Comment: This variant is considered likely benign or benign based on one or more of the following criteria: it is a conservative change, it occurs at a poorly conserved position in the protein, it is predicted to be benign by multiple in silico algorithms, and/or has population frequency not consistent with disease.

Breakthrough Genomics
Classification: Benign. Review status: criteria provided, single submitter. Criteria: ACMG Guidelines, 2015. Collection method: not provided. Allele origin: germline. Inheritance: Autosomal recessive inheritance. Affected: yes.

NM_016729.3(FOLR1):c.168+46G>C

Genes: FOLR1 (folate receptor alpha; plus strand), FOLR1-AS1 (FOLR1 antisense RNA 1; minus strand). Cytogenetic location: 11q13.4.
Variant type: single nucleotide variant.
Coding change: c.168+46G>C on transcript NM_016729.3 (MANE Select); 46 bases into the intron after coding-DNA position 168, G replaced by C.
Molecular consequence: intron variant.
Genome position (GRCh38, 1-based): chr11:72,192,387, G>C. VCF-style: chr11-72192387-G-C. GRCh37 (hg19) VCF-style: chr11-71903431-G-C.
Other names: c.168+46G>C (NM_016724.3, NM_016725.3, NM_000802.3).
Identifiers: ClinVar variation 673528 (VCV000673528.2), dbSNP rs77405781, ClinGen allele CA6169125.